The following is an entry in ClinVar:

NM_001018005.2(TPM1):c.461T>C (p.Ile154Thr)

Gene: TPM1 (tropomyosin 1; plus strand). Cytogenetic location: 15q22.2.
Variant type: single nucleotide variant.
Coding change: c.461T>C on transcript NM_001018005.2 (MANE Select); coding-DNA position 461, T replaced by C.
Protein change: p.Ile154Thr; replaces isoleucine 154 with threonine.
Molecular consequence: missense variant. On other transcripts: non-coding transcript variant (17).
Genome position (GRCh38, 1-based): chr15:63,059,649, T>C. VCF-style: chr15-63059649-T-C. GRCh37 (hg19) VCF-style: chr15-63351848-T-C.
Other names: c.461T>C, p.Ile154Thr (NM_000366.6, NM_001018004.2, NM_001018006.2 and 20 more transcripts); c.353T>C, p.Ile118Thr (NM_001018008.2, NM_001301289.2, NM_001330344.2 and 9 more transcripts); c.587T>C, p.Ile196Thr (NM_001365778.1, NM_001407322.1, NM_001407323.1 and 1 more transcripts); short protein forms I196T, I118T, I154T.
Identifiers: ClinVar variation 3460488 (VCV003460488.1).
Genomic context (GRCh38, chr15:63,059,649, plus strand): 5'-CCCAAAAAGATGAAGAAAAAATGGAAATTCAGGAGATCCAACTGAAAGAGGCCAAGCACA[T>C]TGCTGAAGATGCCGACCGCAAATATGAAGAGGTCAGATCCTGGGGCCCAAAGCCTTGTGG-3'
Protein context (NP_001018005.1, residues 144-164): QEIQLKEAKH[Ile154Thr]AEDADRKYEE

ClinVar aggregate classification (germline): Likely pathogenic (1 of 4 stars; one submission).

Conditions:
Cardiovascular phenotype. Identifiers: MedGen CN230736.

Submission:

Ambry Genetics
Classification: Likely pathogenic for Cardiovascular phenotype. Last evaluated: 2024-10-29. Review status: criteria provided, single submitter. Criteria: Ambry Variant Classification Scheme 2023. Collection method: clinical testing. Allele origin: germline.
Comment: The p.I154T variant (also known as c.461T>C), located in coding exon 4 of the TPM1 gene, results from a T to C substitution at nucleotide position 461. The isoleucine at codon 154 is replaced by threonine, an amino acid with similar properties. This variant was reported in individuals with features consistent with hypertrophic cardiomyopathy (HCM) (Walsh R et al. Genet Med, 2017 Feb;19:192-203; Ambry internal data). This missense alteration is located in a region that has a low rate of benign missense variation (Lek M et al. Nature. 2016 Aug 18;536(7616):285-91; DECIPHER: Database of Chromosomal Imbalance and Phenotype in Humans using Ensembl Resources. Firth H.V. et al. 2009. Am.J.Hum.Genet. 84, 524-533 (DOI)). This amino acid position is highly conserved in available vertebrate species. In addition, this alteration is predicted to be deleterious by in silico analysis. This variant is considered to be rare based on population cohorts in the Genome Aggregation Database (gnomAD). Based on the majority of available evidence to date, this variant is likely to be pathogenic.

Literature cited by the submitters: PubMed 27532257.